The following is an entry in ClinVar:

NM_018896.5(CACNA1G):c.227G>T (p.Arg76Leu)

Genes: CACNA1G (calcium voltage-gated channel subunit alpha1 G; plus strand), CACNA1G-AS1 (CACNA1G antisense RNA 1; minus strand). Cytogenetic location: 17q21.33.
Variant type: single nucleotide variant.
Coding change: c.227G>T on transcript NM_018896.5 (MANE Select); coding-DNA position 227, G replaced by T.
Protein change: p.Arg76Leu; replaces arginine 76 with leucine.
Molecular consequence: missense variant. On other transcripts: non-coding transcript variant (5).
Genome position (GRCh38, 1-based): chr17:50,561,686, G>T. VCF-style: chr17-50561686-G-T. GRCh37 (hg19) VCF-style: chr17-48639047-G-T.
Other names: c.227G>T, p.Arg76Leu (NM_001256324.2, NM_001256325.2, NM_001256326.2 and 24 more transcripts); short protein forms R76L.
Identifiers: ClinVar variation 3340728 (VCV003340728.1).

ClinVar aggregate classification (germline): Uncertain significance (1 of 4 stars; one submission).

gnomAD v4.1: 18 of 1,602,254 alleles (0.0011%); highest among the groups gnomAD compares: Non-Finnish European, 0.0014%; no homozygotes.

Submission:

GeneDx
Classification: Uncertain significance. Last evaluated: 2023-12-31. Review status: criteria provided, single submitter. Criteria: GeneDx Variant Classification Process June 2021. Collection method: clinical testing. Allele origin: germline. Affected: yes.
Comment: Not observed at significant frequency in large population cohorts (gnomAD); In silico analysis supports that this missense variant has a deleterious effect on protein structure/function; Has not been previously published as pathogenic or benign to our knowledge